The following is an entry in ClinVar:

ClinVar aggregate classification (germline): Benign/Likely benign. Review status: criteria provided, multiple submitters, no conflicts (2 of 4 stars). 3 submissions from 3 submitters: Benign (1); Likely benign (1). 1 of the submissions does not count toward it. Last evaluated 2026-01-12.

Conditions:
OPLAH-related disorder. Also called: OPLAH-related condition.
5-Oxoprolinase deficiency (OPLAHD). Also called: 5-OXOPROLINURIA DUE TO 5-OXOPROLINASE DEFICIENCY. Identifiers: Orphanet 33572, MedGen C0268525, MONDO:0009825, OMIM 260005, HP:0040142.

Allele frequency attached by ClinVar (database versions not stated): 1000 Genomes Project 30x 0.00094; ESP Exome Variant Server 0.00105; gnomAD 0.00111 and 0.00121; TOPMed 0.00130; gnomAD exomes 0.00009 and 0.00043; ExAC 0.00065; 1000 Genomes Project 0.00080.
gnomAD v4.1: 294 of 1,575,334 alleles (0.019%); highest among the groups gnomAD compares: African/African-American, 0.37%; 1 homozygote.

Submissions (3):

Labcorp Genetics (formerly Invitae), Labcorp
Classification: Benign for 5-Oxoprolinase deficiency. Last evaluated: 2026-01-12. Review status: criteria provided, single submitter. Criteria: Invitae Variant Classification Sherloc (09022015). Collection method: clinical testing. Allele origin: germline.

Fulgent Genetics
Classification: Likely benign for 5-Oxoprolinase deficiency. Last evaluated: 2021-10-11. Review status: criteria provided, single submitter. Criteria: ACMG Guidelines, 2015. Collection method: clinical testing. Allele origin: unknown.

PreventionGenetics, part of Exact Sciences
Classification: Likely benign for OPLAH-related condition. Last evaluated: 2019-06-07. Review status: no assertion criteria provided. Collection method: clinical testing. Allele origin: germline. Not counted in ClinVar's aggregate classification.
Comment: This variant is classified as likely benign based on ACMG/AMP sequence variant interpretation guidelines (Richards et al. 2015 PMID: 25741868, with internal and published modifications).

NM_017570.5(OPLAH):c.2346G>T (p.Leu782=)

Gene: OPLAH (5-oxoprolinase, ATP-hydrolysing; minus strand). Cytogenetic location: 8q24.3.
Variant type: single nucleotide variant.
Coding change: c.2346G>T on transcript NM_017570.5 (MANE Select); coding-DNA position 2346, G replaced by T.
Protein change: p.Leu782=; no amino-acid change (leucine 782 retained).
Molecular consequence: synonymous variant.
Genome position (GRCh38, 1-based): chr8:144,055,092, C>A on the plus strand (G>T on the coding strand, the complement: OPLAH is on the minus strand). VCF-style: chr8-144055092-C-A. GRCh37 (hg19) VCF-style: chr8-145109995-C-A.
Identifiers: ClinVar variation 723759 (VCV000723759.10), dbSNP rs370115329, ClinGen allele CA4931500.